The following is an entry in ClinVar:

ClinVar aggregate classification (germline): Uncertain significance (1 of 4 stars; one submission).

Conditions:
Dyskeratosis congenita. Identifiers: Orphanet 1775, MedGen C0265965, MONDO:0015780.

Allele frequency attached by ClinVar (database versions not stated): gnomAD exomes below 0.00001; ExAC 0.00001.
gnomAD v4.1: 2 of 1,613,972 alleles (0.00012%); highest among the groups gnomAD compares: Non-Finnish European, 0.00017%; no homozygotes.

Submission:

Labcorp Genetics (formerly Invitae), Labcorp
Classification: Uncertain significance for Dyskeratosis congenita. Last evaluated: 2023-10-04. Review status: criteria provided, single submitter. Criteria: Invitae Variant Classification Sherloc (09022015). Collection method: clinical testing. Allele origin: germline.
Comment: This sequence change replaces isoleucine, which is neutral and non-polar, with valine, which is neutral and non-polar, at codon 88 of the NHP2 protein (p.Ile88Val). This variant is present in population databases (rs751572936, gnomAD 0.0009%). This variant has not been reported in the literature in individuals affected with NHP2-related conditions. Algorithms developed to predict the effect of missense changes on protein structure and function output the following: SIFT: "Not Available"; PolyPhen-2: "Benign"; Align-GVGD: "Not Available". The valine amino acid residue is found in multiple mammalian species, which suggests that this missense change does not adversely affect protein function. In summary, the available evidence is currently insufficient to determine the role of this variant in disease. Therefore, it has been classified as a Variant of Uncertain Significance.

NM_017838.4(NHP2):c.262A>G (p.Ile88Val)

Gene: NHP2 (NHP2 ribonucleoprotein; minus strand). Cytogenetic location: 5q35.3.
Variant type: single nucleotide variant.
Coding change: c.262A>G on transcript NM_017838.4 (MANE Select); coding-DNA position 262, A replaced by G.
Protein change: p.Ile88Val; replaces isoleucine 88 with valine.
Molecular consequence: missense variant. On other transcripts: intron variant (1).
Genome position (GRCh38, 1-based): chr5:178,150,962, T>C on the plus strand (A>G on the coding strand, the complement: NHP2 is on the minus strand). VCF-style: chr5-178150962-T-C. GRCh37 (hg19) VCF-style: chr5-177577963-T-C.
Other names: c.262A>G, p.Ile88Val (NM_001396110.1); c.231-1124A>G (NM_001034833.2); short protein forms I88V.
Identifiers: ClinVar variation 2906461 (VCV002906461.3), dbSNP rs751572936, ClinGen allele CA3589194.